The following is an entry in ClinVar:

ClinVar aggregate classification (germline): Uncertain significance (1 of 4 stars; one submission).

Conditions:
Hereditary breast ovarian cancer syndrome. Also called: Hereditary breast and ovarian cancer syndrome; BRCA1- and BRCA2-Associated Hereditary Breast and Ovarian Cancer; Hereditary breast and/or ovarian cancer syndrome; Hereditary breast and ovarian cancer; Hereditary breast and ovarian cancer syndrome (HBOC); Breast and ovarian cancer. Identifiers: Orphanet 145, MedGen C0677776, MeSH D061325, MONDO:0003582. Disease mechanism: loss of function.

Submission:

Labcorp Genetics (formerly Invitae), Labcorp
Classification: Uncertain significance for Hereditary breast ovarian cancer syndrome. Last evaluated: 2023-04-19. Review status: criteria provided, single submitter. Criteria: Invitae Variant Classification Sherloc (09022015). Collection method: clinical testing. Allele origin: germline.
Comment: This variant is not present in population databases (gnomAD no frequency). This sequence change replaces proline, which is neutral and non-polar, with arginine, which is basic and polar, at codon 3243 of the BRCA2 protein (p.Pro3243Arg). This variant has not been reported in the literature in individuals affected with BRCA2-related conditions. In summary, the available evidence is currently insufficient to determine the role of this variant in disease. Therefore, it has been classified as a Variant of Uncertain Significance. Advanced modeling of protein sequence and biophysical properties (such as structural, functional, and spatial information, amino acid conservation, physicochemical variation, residue mobility, and thermodynamic stability) performed at Invitae indicates that this missense variant is not expected to disrupt BRCA2 protein function. ClinVar contains an entry for this variant (Variation ID: 854515).

NM_000059.4(BRCA2):c.9728C>G (p.Pro3243Arg)

Gene: BRCA2 (BRCA2 DNA repair associated; plus strand). Cytogenetic location: 13q13.1.
Variant type: single nucleotide variant.
Coding change: c.9728C>G on transcript NM_000059.4 (MANE Select); coding-DNA position 9728, C replaced by G.
Protein change: p.Pro3243Arg; replaces proline 3243 with arginine.
Molecular consequence: missense variant.
Genome position (GRCh38, 1-based): chr13:32,398,241, C>G. VCF-style: chr13-32398241-C-G. GRCh37 (hg19) VCF-style: chr13-32972378-C-G.
Other names: short protein forms P3243R.
Identifiers: ClinVar variation 854515 (VCV000854515.10), dbSNP rs80359241, ClinGen allele CA387765510.